The following is an entry in ClinVar:

NM_001003800.2(BICD2):c.1003G>A (p.Asp335Asn)

Gene: BICD2 (BICD cargo adaptor 2; minus strand). Cytogenetic location: 9q22.31.
Variant type: single nucleotide variant.
Coding change: c.1003G>A on transcript NM_001003800.2 (MANE Select); coding-DNA position 1003, G replaced by A.
Protein change: p.Asp335Asn; replaces aspartic acid 335 with asparagine.
Molecular consequence: missense variant.
Genome position (GRCh38, 1-based): chr9:92,720,359, C>T on the plus strand (G>A on the coding strand, the complement: BICD2 is on the minus strand). VCF-style: chr9-92720359-C-T. GRCh37 (hg19) VCF-style: chr9-95482641-C-T.
Other names: c.1003G>A, p.Asp335Asn (NM_015250.4); short protein forms D335N.
Identifiers: ClinVar variation 3673879 (VCV003673879.2).

ClinVar aggregate classification (germline): Uncertain significance (1 of 4 stars; one submission).

Conditions:
Autosomal dominant childhood-onset proximal spinal muscular atrophy with contractures (SMALED2A). Also called: SPINAL MUSCULAR ATROPHY, LOWER EXTREMITY-PREDOMINANT, 2A, CHILDHOOD ONSET, AUTOSOMAL DOMINANT; Spinal muscular atrophy, lower extremity-predominant, 2A, autosomal dominant. Identifiers: Orphanet 363447, Orphanet 363454, MedGen C4747715, MONDO:0014121, OMIM 615290.

gnomAD v4.1: 8 of 1,613,870 alleles (0.0005%); highest among the groups gnomAD compares: Non-Finnish European, 0.00068%; no homozygotes.

Submission:

Labcorp Genetics (formerly Invitae), Labcorp
Classification: Uncertain significance for Autosomal dominant childhood-onset proximal spinal muscular atrophy with contractures. Last evaluated: 2024-09-11. Review status: criteria provided, single submitter. Criteria: Invitae Variant Classification Sherloc (09022015). Collection method: clinical testing. Allele origin: germline.
Comment: This sequence change replaces aspartic acid, which is acidic and polar, with asparagine, which is neutral and polar, at codon 335 of the BICD2 protein (p.Asp335Asn). This variant is present in population databases (no rsID available, gnomAD 0.0009%). This variant has not been reported in the literature in individuals affected with BICD2-related conditions. Invitae Evidence Modeling of protein sequence and biophysical properties (such as structural, functional, and spatial information, amino acid conservation, physicochemical variation, residue mobility, and thermodynamic stability) indicates that this missense variant is not expected to disrupt BICD2 protein function with a negative predictive value of 80%. In summary, the available evidence is currently insufficient to determine the role of this variant in disease. Therefore, it has been classified as a Variant of Uncertain Significance.